The following is an entry in ClinVar:

ClinVar aggregate classification (germline): Uncertain significance (1 of 4 stars; one submission).

Conditions:
Charcot-Marie-Tooth disease axonal type 2O. Also called: Charcot-Marie-Tooth disease, axonal, type 20; CHARCOT-MARIE-TOOTH NEUROPATHY, AXONAL, TYPE 2O; CHARCOT-MARIE-TOOTH DISEASE, AXONAL, AUTOSOMAL DOMINANT, TYPE 2O; Charcot-Marie-Tooth Neuropathy Type 2O. Identifiers: Orphanet 284232, MedGen C3280220, MONDO:0013644, OMIM 614228.

Submission:

Labcorp Genetics (formerly Invitae), Labcorp
Classification: Uncertain significance for Charcot-Marie-Tooth disease axonal type 2O. Last evaluated: 2023-04-26. Review status: criteria provided, single submitter. Criteria: Invitae Variant Classification Sherloc (09022015). Collection method: clinical testing. Allele origin: germline.
Comment: This variant is not present in population databases (gnomAD no frequency). In summary, the available evidence is currently insufficient to determine the role of this variant in disease. Therefore, it has been classified as a Variant of Uncertain Significance. Advanced modeling of protein sequence and biophysical properties (such as structural, functional, and spatial information, amino acid conservation, physicochemical variation, residue mobility, and thermodynamic stability) performed at Invitae indicates that this missense variant is not expected to disrupt DYNC1H1 protein function. This variant has not been reported in the literature in individuals affected with DYNC1H1-related conditions. This sequence change replaces glutamine, which is neutral and polar, with histidine, which is basic and polar, at codon 1922 of the DYNC1H1 protein (p.Gln1922His).

NM_001376.5(DYNC1H1):c.5766G>C (p.Gln1922His)

Gene: DYNC1H1 (dynein cytoplasmic 1 heavy chain 1; plus strand). Cytogenetic location: 14q32.31.
Variant type: single nucleotide variant.
Coding change: c.5766G>C on transcript NM_001376.5 (MANE Select); coding-DNA position 5766, G replaced by C.
Protein change: p.Gln1922His; replaces glutamine 1922 with histidine.
Molecular consequence: missense variant.
Genome position (GRCh38, 1-based): chr14:102,007,057, G>C. VCF-style: chr14-102007057-G-C. GRCh37 (hg19) VCF-style: chr14-102473394-G-C.
Other names: short protein forms Q1922H.
Identifiers: ClinVar variation 2856528 (VCV002856528.3), dbSNP rs2503743920, ClinGen allele CA391049759.